The following is an entry in ClinVar:

NM_000545.8(HNF1A):c.1740G>A (p.Pro580=)

Gene: HNF1A (HNF1 homeobox A; plus strand). Cytogenetic location: 12q24.31.
Variant type: single nucleotide variant.
Coding change: c.1740G>A on transcript NM_000545.8 (MANE Select); coding-DNA position 1740, G replaced by A.
Protein change: p.Pro580=; no amino-acid change (proline 580 retained).
Molecular consequence: synonymous variant.
Genome position (GRCh38, 1-based): chr12:120,999,599, G>A. VCF-style: chr12-120999599-G-A. GRCh37 (hg19) VCF-style: chr12-121437402-G-A.
Other names: c.1761G>A, p.Pro587= (NM_001306179.2); c.1548G>A, p.Pro516= (NM_001406915.1); c.1740G>A (NM_000545.6).
Identifiers: ClinVar variation 1779194 (VCV001779194.30), dbSNP rs370733825, ClinGen allele CA6832162.

ClinVar aggregate classification (germline): Likely benign. Review status: criteria provided, multiple submitters, no conflicts (2 of 4 stars). 4 submissions from 4 submitters: Likely benign (3). 1 of the submissions does not count toward it. Last evaluated 2026-01-27.

Conditions:
HNF1A-related disorder. Also called: HNF1A-related condition.
Maturity-onset diabetes of the young (MODY). Also called: Maturity onset diabetes mellitus in young. Identifiers: Orphanet 552, MedGen C0342276, MONDO:0018911, HP:0004904.

Allele frequency attached by ClinVar (database versions not stated): ExAC 0.00004; ESP Exome Variant Server 0.00008; gnomAD 0.00008; TOPMed 0.00008.
gnomAD v4.1: 132 of 1,611,626 alleles (0.0082%); highest among the groups gnomAD compares: Non-Finnish European, 0.0098%; no homozygotes.

Submissions (4):

Labcorp Genetics (formerly Invitae), Labcorp
Classification: Likely benign. Last evaluated: 2026-01-27. Review status: criteria provided, single submitter. Criteria: Invitae Variant Classification Sherloc (09022015). Collection method: clinical testing. Allele origin: germline.

Ambry Genetics
Classification: Likely benign for Maturity-onset diabetes of the young. Last evaluated: 2022-06-02. Review status: criteria provided, single submitter. Criteria: Ambry Variant Classification Scheme 2023. Collection method: clinical testing. Allele origin: germline.

CeGaT Center for Human Genetics Tuebingen
Classification: Likely benign. Last evaluated: 2022-04-01. Review status: criteria provided, single submitter. Criteria: CeGaT Center For Human Genetics Tuebingen Variant Classification Criteria Version 2. Collection method: clinical testing. Allele origin: germline. Affected: yes. Observed: 1 variant allele.
Comment: HNF1A: BP4, BP7

PreventionGenetics, part of Exact Sciences
Classification: Likely benign for HNF1A-related condition. Last evaluated: 2020-11-23. Review status: no assertion criteria provided. Collection method: clinical testing. Allele origin: germline. Not counted in ClinVar's aggregate classification.
Comment: This variant is classified as likely benign based on ACMG/AMP sequence variant interpretation guidelines (Richards et al. 2015 PMID: 25741868, with internal and published modifications).